The following is an entry in ClinVar:

NM_144773.4(PROKR2):c.100_104del (p.Asp34fs)

Gene: PROKR2 (prokineticin receptor 2; minus strand). Cytogenetic location: 20p12.3.
Variant type: Deletion.
Coding change: c.100_104del on transcript NM_144773.4 (MANE Select); coding-DNA positions 100 to 104, 5 bases deleted (GACCT; older notation c.100_104delGACCT).
Protein change: p.Asp34fs; shifts the reading frame from aspartic acid 34.
Molecular consequence: frameshift variant.
Genome position (GRCh38, 1-based): chr20:5,314,266-5,314,270, AGGTC deleted on the plus strand (GACCT on the coding strand, the reverse complement: PROKR2 is on the minus strand); deleting any 5 consecutive bases within chr20:5,314,266-5,314,271 gives the same sequence; the c. name uses the placement nearest the transcript's 3' end. VCF-style (leftmost placement, unchanged base first): chr20-5314265-GAGGTC-G. GRCh37 (hg19) VCF-style: chr20-5294911-GAGGTC-G.
Other names: short protein forms D34fs.
Identifiers: ClinVar variation 2722190 (VCV002722190.3), dbSNP rs1373662309, ClinGen allele CA634331718.

ClinVar aggregate classification (germline): Pathogenic (1 of 4 stars; one submission).

Submission:

Labcorp Genetics (formerly Invitae), Labcorp
Classification: Pathogenic. Last evaluated: 2025-03-18. Review status: criteria provided, single submitter. Criteria: Invitae Variant Classification Sherloc (09022015). Collection method: clinical testing. Allele origin: germline.
Comment: This sequence change creates a premature translational stop signal (p.Asp34Profs*4) in the PROKR2 gene. It is expected to result in an absent or disrupted protein product. Loss-of-function variants in PROKR2 are known to be pathogenic (PMID: 17054399, 18682503). This variant is present in population databases (no rsID available, gnomAD 0.003%). This variant has not been reported in the literature in individuals affected with PROKR2-related conditions. ClinVar contains an entry for this variant (Variation ID: 2722190). For these reasons, this variant has been classified as Pathogenic.

Literature cited by the submitters: PubMed 17054399; PubMed 18682503.